The following is an entry in ClinVar:

ClinVar aggregate classification (germline): Likely pathogenic (1 of 4 stars; one submission).

Submission:

Labcorp Genetics (formerly Invitae), Labcorp
Classification: Likely pathogenic. Last evaluated: 2024-03-18. Review status: criteria provided, single submitter. Criteria: Invitae Variant Classification Sherloc (09022015). Collection method: clinical testing. Allele origin: germline.
Comment: This variant results in the deletion of part of exon 9 (c.955_1042+867del) of the GRIP1 gene. It is expected to disrupt RNA splicing. Variants that disrupt the donor or acceptor splice site typically lead to a loss of protein function (PMID: 16199547), and loss-of-function variants in GRIP1 are known to be pathogenic (PMID: 22510445, 24357607). This variant is not present in population databases (gnomAD no frequency). This variant has not been reported in the literature in individuals affected with GRIP1-related conditions. In summary, the currently available evidence indicates that the variant is pathogenic, but additional data are needed to prove that conclusively. Therefore, this variant has been classified as Likely Pathogenic.

Literature cited by the submitters: PubMed 16199547; PubMed 22510445; PubMed 24357607.

NM_001366722.1(GRIP1):c.955_1042+867del

Gene: GRIP1 (glutamate receptor interacting protein 1; minus strand). Cytogenetic location: 12q14.3.
Variant type: Deletion.
Coding change: c.955_1042+867del on transcript NM_001366722.1 (MANE Select); coding-DNA position 955 through 867 bases into the intron after coding-DNA position 1042, 955 bases deleted.
Molecular consequence: splice donor variant.
Genome position (GRCh38, 1-based): chr12:66,462,057-66,463,011, 955 bases deleted. GRCh37 (hg19): chr12:66,855,840-66,856,794.
Other names: c.958_1045+867del (NM_001379351.1, NM_001379349.1); c.1033_1120+867del (NM_001379348.1, NM_001366723.1, NM_001379347.1 and 2 more transcripts); c.955_1042+867del (NM_001178074.2, NM_021150.4, NM_001379346.1).
Identifiers: ClinVar variation 3646640 (VCV003646640.2).